The following is an entry in ClinVar:

ClinVar aggregate classification (germline): Uncertain significance. Review status: criteria provided, multiple submitters, no conflicts (2 of 4 stars). 2 submissions from 2 submitters: Uncertain significance (2). Last evaluated 2025-01-07.

Conditions:
Inborn genetic diseases. Identifiers: MedGen C0950123, MeSH D030342.

Allele frequency attached by ClinVar (database versions not stated): gnomAD exomes below 0.00001 and 0.00002; ExAC 0.00001.
gnomAD v4.1: 23 of 1,613,860 alleles (0.0014%); highest among the groups gnomAD compares: Non-Finnish European, 0.0019%; no homozygotes.

Submissions (2):

Ambry Genetics
Classification: Uncertain significance for Inborn genetic diseases. Last evaluated: 2025-01-07. Review status: criteria provided, single submitter. Criteria: Ambry Variant Classification Scheme 2023. Collection method: clinical testing. Allele origin: germline.

Labcorp Genetics (formerly Invitae), Labcorp
Classification: Uncertain significance. Last evaluated: 2022-02-24. Review status: criteria provided, single submitter. Criteria: Invitae Variant Classification Sherloc (09022015). Collection method: clinical testing. Allele origin: germline.
Comment: This sequence change replaces glutamic acid, which is acidic and polar, with lysine, which is basic and polar, at codon 103 of the CNGB3 protein (p.Glu103Lys). This variant is present in population databases (rs772140410, gnomAD 0.007%). This variant has not been reported in the literature in individuals affected with CNGB3-related conditions. Advanced modeling of protein sequence and biophysical properties (such as structural, functional, and spatial information, amino acid conservation, physicochemical variation, residue mobility, and thermodynamic stability) performed at Invitae indicates that this missense variant is not expected to disrupt CNGB3 protein function. In summary, the available evidence is currently insufficient to determine the role of this variant in disease. Therefore, it has been classified as a Variant of Uncertain Significance.

NM_019098.5(CNGB3):c.307G>A (p.Glu103Lys)

Gene: CNGB3 (cyclic nucleotide gated channel subunit beta 3; minus strand). Cytogenetic location: 8q21.3.
Variant type: single nucleotide variant.
Coding change: c.307G>A on transcript NM_019098.5 (MANE Select); coding-DNA position 307, G replaced by A.
Protein change: p.Glu103Lys; replaces glutamic acid 103 with lysine.
Molecular consequence: missense variant.
Genome position (GRCh38, 1-based): chr8:86,726,562, C>T on the plus strand (G>A on the coding strand, the complement: CNGB3 is on the minus strand). VCF-style: chr8-86726562-C-T. GRCh37 (hg19) VCF-style: chr8-87738790-C-T.
Other names: c.307G>A (NM_019098.4); short protein forms E103K.
Identifiers: ClinVar variation 1490261 (VCV001490261.6), dbSNP rs772140410, ClinGen allele CA4800447.